The following is an entry in ClinVar:

NM_000169.3(GLA):c.797A>T (p.Asp266Val)

Genes: GLA (galactosidase alpha; minus strand), RPL36A-HNRNPH2 (RPL36A-HNRNPH2 readthrough; plus strand). Cytogenetic location: Xq22.1.
Variant type: single nucleotide variant.
Coding change: c.797A>T on transcript NM_000169.3 (MANE Select); coding-DNA position 797, A replaced by T.
Protein change: p.Asp266Val; replaces aspartic acid 266 with valine.
Molecular consequence: missense variant. On other transcripts: non-coding transcript variant (3), intron variant (2).
Genome position (GRCh38, 1-based): chrX:101,398,789, T>A on the plus strand (A>T on the coding strand, the complement: GLA is on the minus strand). VCF-style: chrX-101398789-T-A. GRCh37 (hg19) VCF-style: chrX-100653777-T-A.
Other names: c.920A>T, p.Asp307Val (NM_001406747.1); c.797A>T, p.Asp266Val (NM_001406748.1); c.300+3332T>A (NM_001199973.2); c.177+6967T>A (NM_001199974.2); short protein forms D266V, D307V.
Identifiers: ClinVar variation 10735 (VCV000010735.11), dbSNP rs28935487, ClinGen allele CA022064.

ClinVar aggregate classification (germline): Pathogenic. Review status: criteria provided, multiple submitters, no conflicts (2 of 4 stars). 6 submissions from 6 submitters: Pathogenic (5). 1 of the submissions does not count toward it. Last evaluated 2026-09-08.

Conditions:
Fabry disease. Also called: Ceramide trihexosidosis; Fabry's disease; CERAMIDE TRIHEXOSIDASE DEFICIENCY; GLA DEFICIENCY; HEREDITARY DYSTOPIC LIPIDOSIS; ALPHA-GALACTOSIDASE A DEFICIENCY. Identifiers: Orphanet 324, MedGen C0002986, MONDO:0010526, OMIM 301500, HP:0001071. Disease mechanism: Fabry disease is due to inactivating mutations in the X-linked GLA gene resulting in deficiency of the enzyme Alpha Galactosidase-A., loss of function.

Allele frequency attached by ClinVar (database versions not stated): gnomAD 0.00001; TOPMed 0.00001.
gnomAD v4.1: 1 of 1,208,891 alleles (0.000083%); highest among the groups gnomAD compares: African/African-American, 0.0017%; no homozygotes.

Submissions (6):

Genomenon, Inc
Classification: Pathogenic for Fabry disease. Last evaluated: 2026-09-08. Review status: criteria provided, single submitter. Criteria: Genomenon Sequence Variant Interpretation Standards - Updated. Collection method: curation. Allele origin: germline. Affected: yes.
Comment: GLA p.Asp266Val (c.797A>T) is a missense variant that changes the amino acid at codon 266 from Aspartic acid to Valine. This variant has been observed in at least one proband with clinical features consistent with Fabry disease (PMID:28749998;25511234;15091117;25974833;7504405;37940383). At least one functional study has demonstrated a substantial alteration in protein function relative to the wild-type (PMID:21598360;22773828;27657681). This variant is located in a mutational hotspot and/or important functional domain. It is absent or not present at a significant frequency in gnomAD. In silico models predict that this variant is possibly or probably damaging. In conclusion, we classify GLA p.Asp266Val (c.797A>T) as a pathogenic variant.

Labcorp Genetics (formerly Invitae), Labcorp
Classification: Pathogenic for Fabry disease. Last evaluated: 2025-02-16. Review status: criteria provided, single submitter. Criteria: Invitae Variant Classification Sherloc (09022015). Collection method: clinical testing. Allele origin: germline.
Comment: This sequence change replaces aspartic acid, which is acidic and polar, with valine, which is neutral and non-polar, at codon 266 of the GLA protein (p.Asp266Val). This variant is not present in population databases (gnomAD no frequency). This missense change has been observed in individuals with Fabry disease (PMID: 7504405, 25974833; internal data). ClinVar contains an entry for this variant (Variation ID: 10735). Invitae Evidence Modeling of protein sequence and biophysical properties (such as structural, functional, and spatial information, amino acid conservation, physicochemical variation, residue mobility, and thermodynamic stability) indicates that this missense variant is expected to disrupt GLA protein function with a positive predictive value of 80%. Experimental studies have shown that this missense change affects GLA function (PMID: 21598360, 22773828). This variant disrupts the p.Asp266 amino acid residue in GLA. Other variant(s) that disrupt this residue have been observed in individuals with GLA-related conditions (PMID: 7504405, 10916280, 11076046, 15091117), which suggests that this may be a clinically significant amino acid residue. For these reasons, this variant has been classified as Pathogenic.

Genome-Nilou Lab
Classification: Pathogenic for Fabry disease. Last evaluated: 2021-07-15. Review status: criteria provided, single submitter. Criteria: ACMG Guidelines, 2015. Collection method: clinical testing. Allele origin: germline. Affected: no.

Women's Health and Genetics/Laboratory Corporation of America, LabCorp
Classification: Pathogenic for Fabry disease. Last evaluated: 2021-01-12. Review status: criteria provided, single submitter. Criteria: LabCorp Variant Classification Summary - May 2015. Collection method: clinical testing. Allele origin: germline.
Comment: Variant summary: GLA c.797A>T (p.Asp266Val) results in a non-conservative amino acid change in the encoded protein sequence. Five of five in-silico tools predict a damaging effect of the variant on protein function. The variant was absent in 183472 control chromosomes. c.797A>T has been reported in the literature in multiple individuals affected with Fabry Disease (ie Eng_1993, Germain_2015, etc). These data indicate that the variant is very likely to be associated with disease. Experimental studies in cells expressing the variant have reported the variant to have absent alpha-Gal activity (Siekierska_2012, Wu_2011). One clinical diagnostic laboratory has submitted clinical-significance assessments for this variant to ClinVar after 2014 without evidence for independent evaluation. One laboratory classified the variant as pathogenic. Based on the evidence outlined above, the variant was classified as pathogenic.

Eurofins Ntd Llc (ga)
Classification: Pathogenic. Last evaluated: 2018-05-23. Review status: criteria provided, single submitter. Criteria: EGL ClinVar v180209 classification definitions. Collection method: clinical testing. Allele origin: germline. Observed: 1 variant allele, 1 heterozygote.

OMIM
Classification: Pathogenic for FABRY DISEASE. Last evaluated: 1993-12-01. Review status: no assertion criteria provided. Collection method: literature only. Allele origin: germline. Not counted in ClinVar's aggregate classification.

Literature cited by the submitters: PubMed 28749998 (cited by Genomenon, Inc); PubMed 25511234 (cited by 3 submitters); PubMed 15091117 (cited by Genomenon, Inc and Labcorp Genetics (formerly Invitae), Labcorp); PubMed 25974833 (cited by 3 submitters); PubMed 7504405 (cited by 5 submitters); PubMed 37940383 (cited by Genomenon, Inc); PubMed 21598360 (cited by 4 submitters); PubMed 22773828 (cited by 4 submitters); PubMed 27657681 (cited by Genomenon, Inc); PubMed 10916280 (cited by Labcorp Genetics (formerly Invitae), Labcorp); PubMed 11076046 (cited by Labcorp Genetics (formerly Invitae), Labcorp).